The following is an entry in ClinVar:

ClinVar aggregate classification (germline): Uncertain significance. Review status: criteria provided, multiple submitters, no conflicts (2 of 4 stars). 2 submissions from 2 submitters: Uncertain significance (2). Last evaluated 2024-07-01.

Conditions:
Inborn genetic diseases. Identifiers: MedGen C0950123, MeSH D030342.

Allele frequency attached by ClinVar (database versions not stated): gnomAD exomes below 0.00001.
gnomAD v4.1: 2 of 1,614,064 alleles (0.00012%); highest among the groups gnomAD compares: Non-Finnish European, 0.00017%; no homozygotes.

Submissions (2):

CeGaT Center for Human Genetics Tuebingen
Classification: Uncertain significance. Last evaluated: 2024-07-01. Review status: criteria provided, single submitter. Criteria: CeGaT Center For Human Genetics Tuebingen Variant Classification Criteria Version 2. Collection method: clinical testing. Allele origin: germline. Affected: yes. Observed: 1 variant allele.
Comment: LYST: PM2, BP4

Ambry Genetics
Classification: Uncertain significance for Inborn genetic diseases. Last evaluated: 2023-10-25. Review status: criteria provided, single submitter. Criteria: Ambry Variant Classification Scheme 2023. Collection method: clinical testing. Allele origin: germline.

NM_000081.4(LYST):c.1837A>T (p.Asn613Tyr)

Gene: LYST (lysosomal trafficking regulator; minus strand). Cytogenetic location: 1q42.3.
Variant type: single nucleotide variant.
Coding change: c.1837A>T on transcript NM_000081.4 (MANE Select); coding-DNA position 1837, A replaced by T.
Protein change: p.Asn613Tyr; replaces asparagine 613 with tyrosine.
Molecular consequence: missense variant.
Genome position (GRCh38, 1-based): chr1:235,808,981, T>A on the plus strand (A>T on the coding strand, the complement: LYST is on the minus strand). VCF-style: chr1-235808981-T-A. GRCh37 (hg19) VCF-style: chr1-235972281-T-A.
Other names: c.1837A>T, p.Asn613Tyr (NM_001301365.1); short protein forms N613Y.
Identifiers: ClinVar variation 3121742 (VCV003121742.18), dbSNP rs2527109480, ClinGen allele CA344961529.